The following is an entry in ClinVar:

ClinVar aggregate classification (germline): Uncertain significance (0 of 4 stars; one submission).

Conditions:
ISL1-related disorder. Also called: ISL1-related condition.

gnomAD v4.1: 1 of 1,612,474 alleles (0.000062%); highest among the groups gnomAD compares: African/African-American, 0.0013%; no homozygotes.

Submission:

PreventionGenetics, part of Exact Sciences
Classification: Uncertain significance for ISL1-related condition. Last evaluated: 2024-05-24. Review status: no assertion criteria provided. Collection method: clinical testing. Allele origin: germline.
Comment: The ISL1 c.778A>T variant is predicted to result in the amino acid substitution p.Met260Leu. To our knowledge, this variant has not been reported in the literature or in a large population database, indicating this variant is rare. At this time, the clinical significance of this variant is uncertain due to the absence of conclusive functional and genetic evidence.

NM_002202.3(ISL1):c.778A>T (p.Met260Leu)

Gene: ISL1 (ISL LIM homeobox 1; plus strand). Cytogenetic location: 5q11.1.
Variant type: single nucleotide variant.
Coding change: c.778A>T on transcript NM_002202.3 (MANE Select); coding-DNA position 778, A replaced by T.
Protein change: p.Met260Leu; replaces methionine 260 with leucine.
Molecular consequence: missense variant.
Genome position (GRCh38, 1-based): chr5:51,391,286, A>T. VCF-style: chr5-51391286-A-T. GRCh37 (hg19) VCF-style: chr5-50687120-A-T.
Other names: short protein forms M260L.
Identifiers: ClinVar variation 3356667 (VCV003356667.1).